The following is an entry in ClinVar:

ClinVar aggregate classification (germline): Uncertain significance (1 of 4 stars; one submission).

Allele frequency attached by ClinVar (database versions not stated): gnomAD 0.00014 and 0.00013; gnomAD exomes 0.00002 and 0.00003; TOPMed 0.00010.
gnomAD v4.1: 35 of 1,208,842 alleles (0.0029%); highest among the groups gnomAD compares: Admixed American, 0.053%; no homozygotes.

Submission:

Labcorp Genetics (formerly Invitae), Labcorp
Classification: Uncertain significance. Last evaluated: 2025-06-12. Review status: criteria provided, single submitter. Criteria: Invitae Variant Classification Sherloc (09022015). Collection method: clinical testing. Allele origin: germline.
Comment: This sequence change replaces glutamic acid, which is acidic and polar, with lysine, which is basic and polar, at codon 1089 of the COL4A6 protein (p.Glu1089Lys). This variant is present in population databases (rs761062169, gnomAD 0.02%). This variant has not been reported in the literature in individuals affected with COL4A6-related conditions. ClinVar contains an entry for this variant (Variation ID: 1464810). Invitae Evidence Modeling of protein sequence and biophysical properties (such as structural, functional, and spatial information, amino acid conservation, physicochemical variation, residue mobility, and thermodynamic stability) indicates that this missense variant is not expected to disrupt COL4A6 protein function with a negative predictive value of 80%. In summary, the available evidence is currently insufficient to determine the role of this variant in disease. Therefore, it has been classified as a Variant of Uncertain Significance.

NM_033641.4(COL4A6):c.3262G>A (p.Glu1088Lys)

Gene: COL4A6 (collagen type IV alpha 6 chain; minus strand). Cytogenetic location: Xq22.3.
Variant type: single nucleotide variant.
Coding change: c.3262G>A on transcript NM_033641.4 (MANE Select); coding-DNA position 3262, G replaced by A.
Protein change: p.Glu1088Lys; replaces glutamic acid 1088 with lysine.
Molecular consequence: missense variant.
Genome position (GRCh38, 1-based): chrX:108,171,402, C>T on the plus strand (G>A on the coding strand, the complement: COL4A6 is on the minus strand). VCF-style: chrX-108171402-C-T. GRCh37 (hg19) VCF-style: chrX-107414632-C-T.
Other names: c.3313G>A, p.Glu1105Lys (NM_001287758.2); c.3262G>A, p.Glu1088Lys (NM_001287759.2, NM_001287760.2); c.3265G>A, p.Glu1089Lys (NM_001847.4); short protein forms E1105K, E1088K, E1089K.
Identifiers: ClinVar variation 1464810 (VCV001464810.6), dbSNP rs761062169, ClinGen allele CA334041023.